The following is an entry in ClinVar:

NM_004260.4(RECQL4):c.2511G>A (p.Thr837=)

Gene: RECQL4 (RecQ like helicase 4; minus strand). Cytogenetic location: 8q24.3.
Variant type: single nucleotide variant.
Coding change: c.2511G>A on transcript NM_004260.4 (MANE Select); coding-DNA position 2511, G replaced by A.
Protein change: p.Thr837=; no amino-acid change (threonine 837 retained).
Molecular consequence: synonymous variant.
Genome position (GRCh38, 1-based): chr8:144,513,091, C>T on the plus strand (G>A on the coding strand, the complement: RECQL4 is on the minus strand). VCF-style: chr8-144513091-C-T. GRCh37 (hg19) VCF-style: chr8-145738474-C-T.
Identifiers: ClinVar variation 459405 (VCV000459405.13), dbSNP rs772866964, ClinGen allele CA4948204.
Genomic context (GRCh38, chr8:144,513,091, plus strand): 5'-GCAGGTGCAGGTGCAGGCTGGGAACACGCGCTGTACCAGCCTCTTCACAGCCAGGAAGTC[C>T]GTGCTGTCGGCGTGCACATGTCTGCGCAGCTCTCGCAGGTCTTCGCCCTGCAGGGCAACT-3'
Protein context (NP_004251.4, residues 827-847): ELRRHVHADS[Thr837=]DFLAVKRLVQ

ClinVar aggregate classification (germline): Likely benign. Review status: criteria provided, multiple submitters, no conflicts (2 of 4 stars). 3 submissions from 3 submitters: Likely benign (2). 1 of the submissions does not count toward it. Last evaluated 2025-07-30.

Conditions:
RECQL4-related disorder. Also called: RECQL4-related condition; RECQL4-related disorders.
Baller-Gerold syndrome (BGS). Also called: CRANIOSYNOSTOSIS WITH RADIAL DEFECTS. Identifiers: Orphanet 1225, MedGen C0265308, MONDO:0009039, OMIM 218600.

Allele frequency attached by ClinVar (database versions not stated): gnomAD 0.00001 and 0.00003; TOPMed 0.00003; gnomAD exomes 0.00009 and 0.00012; ExAC 0.00021.
gnomAD v4.1: 128 of 1,574,026 alleles (0.0081%); highest among the groups gnomAD compares: South Asian, 0.071%; no homozygotes.

Submissions (3):

Labcorp Genetics (formerly Invitae), Labcorp
Classification: Likely benign for Baller-Gerold syndrome. Last evaluated: 2025-07-30. Review status: criteria provided, single submitter. Criteria: Invitae Variant Classification Sherloc (09022015). Collection method: clinical testing. Allele origin: germline.

Blueprint Genetics
Classification: Likely benign. Last evaluated: 2024-09-17. Review status: criteria provided, single submitter. Criteria: ACMG Guidelines, 2015. Collection method: clinical testing. Allele origin: germline.

PreventionGenetics, part of Exact Sciences
Classification: Likely benign for RECQL4-related condition. Last evaluated: 2019-04-24. Review status: no assertion criteria provided. Collection method: clinical testing. Allele origin: germline. Not counted in ClinVar's aggregate classification.
Comment: This variant is classified as likely benign based on ACMG/AMP sequence variant interpretation guidelines (Richards et al. 2015 PMID: 25741868, with internal and published modifications).